The following is an entry in ClinVar:

ClinVar aggregate classification (germline): Conflicting classifications of pathogenicity. Review status: criteria provided, conflicting classifications (1 of 4 stars). 2 submissions from 2 submitters: Uncertain significance (1); Likely benign (1). Last evaluated 2025-02-18.

Conditions:
Inborn genetic diseases. Identifiers: MedGen C0950123, MeSH D030342.
SEMA3A-related disorder. Also called: SEMA3A-related condition.

gnomAD v4.1: 23 of 1,613,964 alleles (0.0014%); highest among the groups gnomAD compares: Admixed American, 0.038%; 1 homozygote.

Submissions (2):

PreventionGenetics, part of Exact Sciences
Classification: Likely benign for SEMA3A-related condition. Last evaluated: 2025-02-18. Review status: criteria provided, single submitter. Criteria: ACMG Guidelines, 2015. Collection method: clinical testing. Allele origin: germline.
Comment: This variant is classified as likely benign based on ACMG/AMP sequence variant interpretation guidelines (Richards et al. 2015 PMID: 25741868, with internal and published modifications).

Ambry Genetics
Classification: Uncertain significance for Inborn genetic diseases. Last evaluated: 2025-01-26. Review status: criteria provided, single submitter. Criteria: Ambry Variant Classification Scheme 2023. Collection method: clinical testing. Allele origin: germline.

NM_006080.3(SEMA3A):c.2097G>T (p.Gln699His)

Gene: SEMA3A (semaphorin 3A; minus strand). Cytogenetic location: 7q21.11.
Variant type: single nucleotide variant.
Coding change: c.2097G>T on transcript NM_006080.3 (MANE Select); coding-DNA position 2097, G replaced by T.
Protein change: p.Gln699His; replaces glutamine 699 with histidine.
Molecular consequence: missense variant.
Genome position (GRCh38, 1-based): chr7:83,961,590, C>A on the plus strand (G>T on the coding strand, the complement: SEMA3A is on the minus strand). VCF-style: chr7-83961590-C-A. GRCh37 (hg19) VCF-style: chr7-83590906-C-A.
Other names: short protein forms Q699H.
Identifiers: ClinVar variation 3358644 (VCV003358644.3).